The following is an entry in ClinVar:

ClinVar aggregate classification (germline): Conflicting classifications of pathogenicity. Review status: criteria provided, conflicting classifications (1 of 4 stars). 10 submissions from 10 submitters: Pathogenic (1); Likely pathogenic (7); Uncertain significance (2). Last evaluated 2026-01-13.

Conditions:
POLG-related disorder. Also called: POLG-Related Spectrum Disorders; POLG-related condition; POLG-Related Disorders. Identifiers: MedGen C4763519.
Progressive sclerosing poliodystrophy (MTDPS4A). Also called: ALPERS PROGRESSIVE INFANTILE POLIODYSTROPHY; NEURONAL DEGENERATION OF CHILDHOOD WITH LIVER DISEASE, PROGRESSIVE; Alpers-Huttenlocher Syndrome; Alpers Syndrome; ALPERS DIFFUSE DEGENERATION OF CEREBRAL GRAY MATTER WITH HEPATIC CIRRHOSIS; Mitochondrial DNA depletion syndrome 4A (Alpers type). Identifiers: Orphanet 726, MedGen C0205710, MONDO:0008758, OMIM 203700.

Allele frequency attached by ClinVar (database versions not stated): gnomAD 0.00001; ExAC 0.00002; TOPMed 0.00002; gnomAD exomes 0.00004.
gnomAD v4.1: 60 of 1,606,282 alleles (0.0037%); highest among the groups gnomAD compares: Middle Eastern, 0.016%; no homozygotes.

Submissions (10):

Labcorp Genetics (formerly Invitae), Labcorp
Classification: Likely pathogenic for Progressive sclerosing poliodystrophy. Last evaluated: 2026-01-13. Review status: criteria provided, single submitter. Criteria: Invitae Variant Classification Sherloc (09022015). Collection method: clinical testing. Allele origin: germline.
Comment: This sequence change replaces arginine, which is basic and polar, with glutamine, which is neutral and polar, at codon 574 of the POLG protein (p.Arg574Gln). This variant is present in population databases (rs764287987, gnomAD 0.008%). This missense change has been observed in individual(s) with clinical features of autosomal recessive POLG-related conditions (PMID: 28815208, 33258288). ClinVar contains an entry for this variant (Variation ID: 619321). Invitae Evidence Modeling of protein sequence and biophysical properties (such as structural, functional, and spatial information, amino acid conservation, physicochemical variation, residue mobility, and thermodynamic stability) indicates that this missense variant is expected to disrupt POLG protein function with a positive predictive value of 95%. This variant disrupts the p.Arg574 amino acid residue in POLG. Other variant(s) that disrupt this residue have been determined to be pathogenic (PMID: 16621917, 16896309, 19125351, 20601675, 20883824, 27987238). This suggests that this residue is clinically significant, and that variants that disrupt this residue are likely to be disease-causing. In summary, the currently available evidence indicates that the variant is pathogenic, but additional data are needed to prove that conclusively. Therefore, this variant has been classified as Likely Pathogenic.

Women's Health and Genetics/Laboratory Corporation of America, LabCorp
Classification: Likely pathogenic for POLG-related disorder. Last evaluated: 2025-05-29. Review status: criteria provided, single submitter. Criteria: LabCorp Variant Classification Summary - May 2015. Collection method: clinical testing. Allele origin: germline.
Comment: Variant summary: POLG c.1721G>A (p.Arg574Gln) results in a conservative amino acid change located in the spacer domain of the encoded protein sequence. Algorithms developed to predict the effect of missense changes on protein structure and function are either unavailable or do not agree on the potential impact of this missense change. The variant allele was found at a frequency of 4.5e-05 in 245180 control chromosomes. This frequency is not significantly higher than estimated for a pathogenic variant in POLG causing POLG-Related Spectrum Disorders, allowing no conclusion about variant significance. c.1721G>A has been observed in individual(s) affected with POLG-Related Spectrum Disorders (Ng_2017 initially cited in Bargiela_2015, Quaio_2020). Additionally, another missense variant affecting the same codon (Arg574Trp) has been classified as pathogenic in ClinVar. To our knowledge, no experimental evidence demonstrating an impact on protein function has been reported. The following publications have been ascertained in the context of this evaluation (PMID: 33258288, 26640698, 28815208). ClinVar contains an entry for this variant (Variation ID: 619321). Based on the evidence outlined above, the variant was classified as likely pathogenic.

PreventionGenetics, part of Exact Sciences
Classification: Uncertain significance for POLG-related condition. Last evaluated: 2025-02-10. Review status: criteria provided, single submitter. Criteria: ACMG Guidelines, 2015. Collection method: clinical testing. Allele origin: germline.
Comment: The POLG c.1721G>A variant is predicted to result in the amino acid substitution p.Arg574Gln. This variant has been reported, along with an uncertain POLG missense variant, in an individual with late onset status epilepticus and progressive ataxia (Ng et al. 2017. PubMed ID: 28815208) and this variant was also reported in the compound heterozygous state in an individual with clinical features suggestive of a multi-systemic mitochondrial disorder (Quaio et al. 2020. PubMed ID: 33258288). This variant is reported in 0.0080% of alleles in individuals of European (non-Finnish) descent in gnomAD . This variant has conflicting classifications listed in ClinVar ranging from uncertain to pathogenic (ClinVar ID: 619321). An alternate nucleotide change affecting the same amino acid (p.Arg574Trp) has also been associated with autosomal dominant or recessive POLG-related disorders (Horvath et al. 2006. PubMed ID: 16621917; Kasahara et al. 2017. PubMed ID: 27987238). Although we suspect that c.1721G>A (p.Arg574Gln) may be pathogenic, at this time, the clinical significance of this variant is classified as uncertain due to the absence of conclusive genetic or functional evidence.

Baylor Genetics
Classification: Likely pathogenic for Progressive sclerosing poliodystrophy. Last evaluated: 2024-03-14. Review status: criteria provided, single submitter. Criteria: ACMG Guidelines, 2015. Collection method: clinical testing. Allele origin: unknown.

Institute of Human Genetics Munich, TUM University Hospital
Classification: Likely pathogenic for Progressive sclerosing poliodystrophy. Last evaluated: 2024-02-26. Review status: criteria provided, single submitter. Criteria: Classification criteria August 2017. Collection method: clinical testing. Allele origin: maternal. Inheritance: Autosomal recessive inheritance. Affected: yes. Observed: 1 variant allele.

GeneDx
Classification: Likely pathogenic. Last evaluated: 2024-01-30. Review status: criteria provided, single submitter. Criteria: GeneDx Variant Classification Process June 2021. Collection method: clinical testing. Allele origin: germline. Affected: yes.
Comment: Not observed at significant frequency in large population cohorts (gnomAD); In silico analysis supports that this missense variant has a deleterious effect on protein structure/function; This variant is associated with the following publications: (PMID: 26640698, 34927673, 32943091, 33258288, 28815208)

Blueprint Genetics
Classification: Uncertain significance. Last evaluated: 2021-07-09. Review status: criteria provided, single submitter. Criteria: ACMG Guidelines, 2015. Collection method: clinical testing. Allele origin: germline.

Genomic Research Center, Shahid Beheshti University of Medical Sciences
Classification: Likely pathogenic for POLG-Related Disorders. Last evaluated: 2019-04-27. Review status: criteria provided, single submitter. Criteria: ACMG Guidelines, 2015. Collection method: clinical testing. Allele origin: unknown. Affected: yes.

Wong Mito Lab, Molecular and Human Genetics, Baylor College of Medicine
Classification: Pathogenic for Progressive sclerosing poliodystrophy. Last evaluated: 2018-10-01. Review status: criteria provided, single submitter. Criteria: ACMG Guidelines, 2015. Collection method: clinical testing. Allele origin: germline.
Comment: The NM_002693.2:c.1721G>A (NP_002684.1:p.Arg574Gln) [GRCH38: NC_000015.10:g.89325678C>T] variant in POLG gene is interpretated to be a Pathogenic based on ACMG guidelines (PMID: 25741868). This variant meets the following evidence codes reported in the ACMG-guideline. PS1:This variation causes same amino-acid change as an established pathogenic variant. PM2:This variant is absent in key population databases. PM1:This variant is in mutational hot spot or a well-studied functional domain without benign variation. PP1:This variant is co-segregated with Mitochondrial DNA depletion syndrome 4A (Alpers type) in multiple affected family members. PP2:This is a missense variant in POLG with a low rate of benign and high rate of pathogenic missense variations. PP3:Computational evidence/predictors indicate the variant has deleterious effect on POLG structure, function, or protein-protein interaction. PP4:Patient's phenotype or family history is highly specific for POLG. Based on the evidence criteria codes applied, the variant is suggested to be Pathogenic.

Kariminejad - Najmabadi Pathology & Genetics Center
Classification: Likely pathogenic for Progressive sclerosing poliodystrophy. Review status: criteria provided, single submitter. Criteria: ACMG Guidelines, 2015. Collection method: clinical testing. Allele origin: germline. Affected: no.

Literature cited by the submitters: PubMed 28815208 (cited by Labcorp Genetics (formerly Invitae), Labcorp and Women's Health and Genetics/Laboratory Corporation of America, LabCorp); PubMed 33258288 (cited by Labcorp Genetics (formerly Invitae), Labcorp and Women's Health and Genetics/Laboratory Corporation of America, LabCorp); PubMed 16621917 (cited by Labcorp Genetics (formerly Invitae), Labcorp); PubMed 16896309 (cited by Labcorp Genetics (formerly Invitae), Labcorp); PubMed 19125351 (cited by Labcorp Genetics (formerly Invitae), Labcorp); PubMed 20601675 (cited by Labcorp Genetics (formerly Invitae), Labcorp); PubMed 20883824 (cited by Labcorp Genetics (formerly Invitae), Labcorp); PubMed 27987238 (cited by Labcorp Genetics (formerly Invitae), Labcorp); PubMed 26640698 (cited by Women's Health and Genetics/Laboratory Corporation of America, LabCorp).

NM_002693.3(POLG):c.1721G>A (p.Arg574Gln)

Gene: POLG (DNA polymerase gamma, catalytic subunit; minus strand). Cytogenetic location: 15q26.1.
Variant type: single nucleotide variant.
Coding change: c.1721G>A on transcript NM_002693.3 (MANE Select); coding-DNA position 1721, G replaced by A.
Protein change: p.Arg574Gln; replaces arginine 574 with glutamine.
Molecular consequence: missense variant.
Genome position (GRCh38, 1-based): chr15:89,325,678, C>T on the plus strand (G>A on the coding strand, the complement: POLG is on the minus strand). VCF-style: chr15-89325678-C-T. GRCh37 (hg19) VCF-style: chr15-89868909-C-T.
Other names: c.1721G>A, p.Arg574Gln (NM_001126131.2); short protein forms R574Q.
Identifiers: ClinVar variation 619321 (VCV000619321.32), dbSNP rs764287987, ClinGen allele CA7724701.
Genomic context (GRCh38, chr15:89,325,678, plus strand): 5'-AGGCTGAGGAGGCTGGGGCCCGGGGTCCATGCAGGGTCGTCTAGCCGGGGGCAGAGCTTC[C>T]GGTACCATCTACGTCCCAGCAGGAAGACAGCAGTGTCACGATGGTAAGGGCAGTTGTTGG-3'
Protein context (NP_002684.1, residues 564-584): QHLPGHPGWY[Arg574Gln]KLCPRLDDPA